The following is an entry in ClinVar:

NM_007186.6(CEP250):c.3610A>G (p.Ser1204Gly)

Gene: CEP250 (centrosomal protein 250; plus strand). Cytogenetic location: 20q11.22.
Variant type: single nucleotide variant.
Coding change: c.3610A>G on transcript NM_007186.6 (MANE Select); coding-DNA position 3610, A replaced by G.
Protein change: p.Ser1204Gly; replaces serine 1204 with glycine.
Molecular consequence: missense variant.
Genome position (GRCh38, 1-based): chr20:35,498,022, A>G. VCF-style: chr20-35498022-A-G. GRCh37 (hg19) VCF-style: chr20-34085851-A-G.
Other names: c.1714A>G, p.Ser572Gly (NM_001318219.1); short protein forms S1204G, S572G.
Identifiers: ClinVar variation 1487878 (VCV001487878.5), dbSNP rs965378472, ClinGen allele CA314156729.

ClinVar aggregate classification (germline): Uncertain significance (1 of 4 stars; one submission).

Allele frequency attached by ClinVar (database versions not stated): gnomAD exomes below 0.00001; gnomAD 0.00001; TOPMed 0.00003.
gnomAD v4.1: 3 of 1,602,916 alleles (0.00019%); highest among the groups gnomAD compares: African/African-American, 0.004%; no homozygotes.

Submission:

Labcorp Genetics (formerly Invitae), Labcorp
Classification: Uncertain significance. Last evaluated: 2022-06-13. Review status: criteria provided, single submitter. Criteria: Invitae Variant Classification Sherloc (09022015). Collection method: clinical testing. Allele origin: germline.
Comment: This sequence change replaces serine with glycine at codon 1204 of the CEP250 protein (p.Ser1204Gly). The serine residue is weakly conserved and there is a small physicochemical difference between serine and glycine. In summary, the available evidence is currently insufficient to determine the role of this variant in disease. Therefore, it has been classified as a Variant of Uncertain Significance. Algorithms developed to predict the effect of sequence changes on RNA splicing suggest that this variant may create or strengthen a splice site. Algorithms developed to predict the effect of missense changes on protein structure and function output the following: SIFT: "Not Available"; PolyPhen-2: "Benign"; Align-GVGD: "Not Available". The glycine amino acid residue is found in multiple mammalian species, which suggests that this missense change does not adversely affect protein function. This variant has not been reported in the literature in individuals affected with CEP250-related conditions. The frequency data for this variant in the population databases is considered unreliable, as metrics indicate poor data quality at this position in the gnomAD database.